The following is an entry in ClinVar:

ClinVar aggregate classification (germline): Uncertain significance (1 of 4 stars; one submission).

Submission:

CeGaT Center for Human Genetics Tuebingen
Classification: Uncertain significance. Last evaluated: 2022-11-01. Review status: criteria provided, single submitter. Criteria: CeGaT Center For Human Genetics Tuebingen Variant Classification Criteria Version 2. Collection method: clinical testing. Allele origin: germline. Affected: yes. Observed: 1 variant allele.
Comment: TNXB: PM2, BP4

NM_001365276.2(TNXB):c.8718C>G (p.His2906Gln)

Gene: TNXB (tenascin XB; minus strand). Cytogenetic location: 6p21.33.
Variant type: single nucleotide variant.
Coding change: c.8718C>G on transcript NM_001365276.2 (MANE Select); coding-DNA position 8718, C replaced by G.
Protein change: p.His2906Gln; replaces histidine 2906 with glutamine.
Molecular consequence: missense variant.
Genome position (GRCh38, 1-based): chr6:32,053,461, G>C on the plus strand (C>G on the coding strand, the complement: TNXB is on the minus strand). VCF-style: chr6-32053461-G-C. GRCh37 (hg19) VCF-style: chr6-32021238-G-C.
Other names: c.8712C>G, p.His2904Gln (NM_019105.8); short protein forms H2904Q, H2906Q.
Identifiers: ClinVar variation 1879652 (VCV001879652.29), dbSNP rs756667030, ClinGen allele CA363546378.